The following is an entry in ClinVar:

ClinVar aggregate classification (germline): Uncertain significance (1 of 4 stars; one submission).

Conditions:
Facioscapulohumeral muscular dystrophy 2 (FSHD2). Also called: MUSCULAR DYSTROPHY, FACIOSCAPULOHUMERAL, TYPE 1B; FACIOSCAPULOHUMERAL MUSCULAR DYSTROPHY 2, DIGENIC; FSHD2, DIGENIC. Identifiers: Orphanet 269, MedGen C1834671, MONDO:0008031, OMIM 158901.

Submission:

Labcorp Genetics (formerly Invitae), Labcorp
Classification: Uncertain significance for Facioscapulohumeral muscular dystrophy 2. Last evaluated: 2024-12-05. Review status: criteria provided, single submitter. Criteria: Invitae Variant Classification Sherloc (09022015). Collection method: clinical testing. Allele origin: germline.
Comment: This sequence change replaces glycine, which is neutral and non-polar, with valine, which is neutral and non-polar, at codon 48 of the SMCHD1 protein (p.Gly48Val). This variant is not present in population databases (gnomAD no frequency). This variant has not been reported in the literature in individuals affected with SMCHD1-related conditions. An algorithm developed to predict the effect of missense changes on protein structure and function (PolyPhen-2) suggests that this variant is likely to be tolerated. In summary, the available evidence is currently insufficient to determine the role of this variant in disease. Therefore, it has been classified as a Variant of Uncertain Significance.

NM_015295.3(SMCHD1):c.143G>T (p.Gly48Val)

Gene: SMCHD1 (structural maintenance of chromosomes flexible hinge domain containing 1; plus strand). Cytogenetic location: 18p11.32.
Variant type: single nucleotide variant.
Coding change: c.143G>T on transcript NM_015295.3 (MANE Select); coding-DNA position 143, G replaced by T.
Protein change: p.Gly48Val; replaces glycine 48 with valine.
Molecular consequence: missense variant.
Genome position (GRCh38, 1-based): chr18:2,656,218, G>T. VCF-style: chr18-2656218-G-T. GRCh37 (hg19) VCF-style: chr18-2656217-G-T.
Other names: short protein forms G48V.
Identifiers: ClinVar variation 3630191 (VCV003630191.2).